The following is an entry in ClinVar:

NM_006031.6(PCNT):c.720+8G>A

Gene: PCNT (pericentrin; plus strand). Cytogenetic location: 21q22.3.
Variant type: single nucleotide variant.
Coding change: c.720+8G>A on transcript NM_006031.6 (MANE Select); 8 bases into the intron after coding-DNA position 720, G replaced by A.
Molecular consequence: intron variant.
Genome position (GRCh38, 1-based): chr21:46,346,216, G>A. VCF-style: chr21-46346216-G-A. GRCh37 (hg19) VCF-style: chr21-47766130-G-A.
Other names: c.720+8G>A (NM_006031.5); c.366+8G>A (NM_001315529.2).
Identifiers: ClinVar variation 2956571 (VCV002956571.4), dbSNP rs527293142, ClinGen allele CA10078371.

ClinVar aggregate classification (germline): Likely benign. Review status: criteria provided, multiple submitters, no conflicts (2 of 4 stars). 2 submissions from 2 submitters: Likely benign (2). Last evaluated 2025-11-19.

Conditions:
PCNT-related disorder. Also called: PCNT-related condition.

Allele frequency attached by ClinVar (database versions not stated): TOPMed below 0.00001; ExAC 0.00001; gnomAD 0.00001; gnomAD exomes 0.00001; 1000 Genomes Project 0.00020; 1000 Genomes Project 30x 0.00031.
gnomAD v4.1: 19 of 1,613,166 alleles (0.0012%); highest among the groups gnomAD compares: African/African-American, 0.0027%; no homozygotes.

Submissions (2):

Labcorp Genetics (formerly Invitae), Labcorp
Classification: Likely benign. Last evaluated: 2025-11-19. Review status: criteria provided, single submitter. Criteria: Invitae Variant Classification Sherloc (09022015). Collection method: clinical testing. Allele origin: germline.

PreventionGenetics, part of Exact Sciences
Classification: Likely benign for PCNT-related condition. Last evaluated: 2025-04-28. Review status: criteria provided, single submitter. Criteria: ACMG Guidelines, 2015. Collection method: clinical testing. Allele origin: germline.
Comment: This variant is classified as likely benign based on ACMG/AMP sequence variant interpretation guidelines (Richards et al. 2015 PMID: 25741868, with internal and published modifications).